The following is an entry in ClinVar:

NM_002778.4(PSAP):c.608A>G (p.Gln203Arg)

Gene: PSAP (prosaposin; minus strand). Cytogenetic location: 10q22.1.
Variant type: single nucleotide variant.
Coding change: c.608A>G on transcript NM_002778.4 (MANE Select); coding-DNA position 608, A replaced by G.
Protein change: p.Gln203Arg; replaces glutamine 203 with arginine.
Molecular consequence: missense variant.
Genome position (GRCh38, 1-based): chr10:71,828,126, T>C on the plus strand (A>G on the coding strand, the complement: PSAP is on the minus strand). VCF-style: chr10-71828126-T-C. GRCh37 (hg19) VCF-style: chr10-73587883-T-C.
Other names: c.608A>G, p.Gln203Arg (NM_001042465.3, NM_001042466.3); short protein forms Q203R.
Identifiers: ClinVar variation 1473211 (VCV001473211.8), dbSNP rs1842430591, ClinGen allele CA377151529.

ClinVar aggregate classification (germline): Uncertain significance (1 of 4 stars; one submission).

Conditions:
Sphingolipid activator protein 1 deficiency. Also called: Saposin B Deficiency; METACHROMATIC LEUKODYSTROPHY DUE TO CEREBROSIDE SULFATASE ACTIVATOR DEFICIENCY; Metachromatic leukodystrophy due to saposin B deficiency. Identifiers: Orphanet 512, MedGen C0268262, MONDO:0009590, OMIM 249900.

Submission:

Labcorp Genetics (formerly Invitae), Labcorp
Classification: Uncertain significance for Sphingolipid activator protein 1 deficiency. Last evaluated: 2022-07-06. Review status: criteria provided, single submitter. Criteria: Invitae Variant Classification Sherloc (09022015). Collection method: clinical testing. Allele origin: germline.
Comment: In summary, the available evidence is currently insufficient to determine the role of this variant in disease. Therefore, it has been classified as a Variant of Uncertain Significance. Algorithms developed to predict the effect of missense changes on protein structure and function are either unavailable or do not agree on the potential impact of this missense change (SIFT: "Not Available"; PolyPhen-2: "Benign"; Align-GVGD: "Not Available"). ClinVar contains an entry for this variant (Variation ID: 1473211). This variant has not been reported in the literature in individuals affected with PSAP-related conditions. This variant is not present in population databases (gnomAD no frequency). This sequence change replaces glutamine, which is neutral and polar, with arginine, which is basic and polar, at codon 203 of the PSAP protein (p.Gln203Arg).